The following is an entry in ClinVar:

ClinVar aggregate classification (germline): Conflicting classifications of pathogenicity. Review status: criteria provided, conflicting classifications (1 of 4 stars). 2 submissions from 2 submitters: Uncertain significance (1); Likely benign (1). Last evaluated 2025-05-13.

Conditions:
Inborn genetic diseases. Identifiers: MedGen C0950123, MeSH D030342.

Allele frequency attached by ClinVar (database versions not stated): ExAC 0.00001; ESP Exome Variant Server 0.00008; TOPMed 0.00004; gnomAD 0.00003.
gnomAD v4.1: 30 of 1,609,666 alleles (0.0019%); highest among the groups gnomAD compares: Non-Finnish European, 0.0024%; no homozygotes.

Submissions (2):

Ambry Genetics
Classification: Likely benign for Inborn genetic diseases. Last evaluated: 2025-05-13. Review status: criteria provided, single submitter. Criteria: Ambry Variant Classification Scheme 2023. Collection method: clinical testing. Allele origin: germline.

Labcorp Genetics (formerly Invitae), Labcorp
Classification: Uncertain significance. Last evaluated: 2022-07-16. Review status: criteria provided, single submitter. Criteria: Invitae Variant Classification Sherloc (09022015). Collection method: clinical testing. Allele origin: germline.
Comment: This sequence change replaces valine, which is neutral and non-polar, with isoleucine, which is neutral and non-polar, at codon 2267 of the OTOGL protein (p.Val2267Ile). This variant is present in population databases (rs138970850, gnomAD 0.003%). This variant has not been reported in the literature in individuals affected with OTOGL-related conditions. Algorithms developed to predict the effect of missense changes on protein structure and function output the following: SIFT: "Tolerated"; PolyPhen-2: "Benign"; Align-GVGD: "Class C0". The isoleucine amino acid residue is found in multiple mammalian species, which suggests that this missense change does not adversely affect protein function. In summary, the available evidence is currently insufficient to determine the role of this variant in disease. Therefore, it has been classified as a Variant of Uncertain Significance.

NM_001378609.3(OTOGL):c.6826G>A (p.Val2276Ile)

Gene: OTOGL (otogelin like; plus strand). Cytogenetic location: 12q21.31.
Variant type: single nucleotide variant.
Coding change: c.6826G>A on transcript NM_001378609.3 (MANE Select); coding-DNA position 6826, G replaced by A.
Protein change: p.Val2276Ile; replaces valine 2276 with isoleucine.
Molecular consequence: missense variant.
Genome position (GRCh38, 1-based): chr12:80,377,167, G>A. VCF-style: chr12-80377167-G-A. GRCh37 (hg19) VCF-style: chr12-80770947-G-A.
Other names: c.6691G>A, p.Val2231Ile (NM_001368062.3); c.6826G>A, p.Val2276Ile (NM_001378610.3, NM_173591.7); c.6799G>A (NM_173591.3); short protein forms V2231I, V2276I.
Identifiers: ClinVar variation 1941416 (VCV001941416.3), dbSNP rs138970850, ClinGen allele CA6702169.